The following is an entry in ClinVar:

NM_001127511.3(APC):c.-162G>T

Gene: APC (APC regulator of Wnt signaling pathway; plus strand). Cytogenetic location: 5q22.2.
Variant type: single nucleotide variant.
Coding change: c.-162G>T on transcript NM_001127511.3; 162 bases upstream of the start codon, G replaced by T.
Molecular consequence: 5 prime UTR variant. On other transcripts: non-coding transcript variant (2).
Genome position (GRCh38, 1-based): chr5:112,707,556, G>T. VCF-style: chr5-112707556-G-T. GRCh37 (hg19) VCF-style: chr5-112043253-G-T.
Other names: c.-345G>T (NM_001407452.1, NM_001407456.1, NM_001407460.1 and 3 more transcripts); c.-136G>T (NM_001407453.1); c.-112G>T (NM_001407457.1, NM_001407458.1, NM_001407448.1 and 1 more transcripts); c.-1380G>T (NM_001407470.1, NM_001407472.1); c.-162G>T (NM_001354897.2, NM_001354902.2, NM_001407446.1).
Identifiers: ClinVar variation 4770640 (VCV004770640.1).

ClinVar aggregate classification (germline): Uncertain significance (1 of 4 stars; one submission).

Conditions:
Familial adenomatous polyposis 1 (FAP1). Also called: POLYPOSIS, ADENOMATOUS INTESTINAL; FAMILIAL ADENOMATOUS POLYPOSIS 1, ATTENUATED. Identifiers: MedGen C2713442, MONDO:0021056, OMIM 175100. Disease mechanism: loss of function.

Submission:

Labcorp Genetics (formerly Invitae), Labcorp
Classification: Uncertain significance for Familial adenomatous polyposis 1. Last evaluated: 2025-07-10. Review status: criteria provided, single submitter. Criteria: Invitae Variant Classification Sherloc (09022015). Collection method: clinical testing. Allele origin: germline.
Comment: This variant occurs in a non-coding region of the APC gene. It does not change the encoded amino acid sequence of the APC protein. This variant is not present in population databases (gnomAD no frequency). This variant has not been reported in the literature in individuals affected with APC-related conditions. Experimental studies and prediction algorithms are not available or were not evaluated, and the functional significance of this variant is currently unknown. In summary, the available evidence is currently insufficient to determine the role of this variant in disease. Therefore, it has been classified as a Variant of Uncertain Significance.